The following is an entry in ClinVar:

ClinVar aggregate classification (germline): Uncertain significance (1 of 4 stars; one submission).

Conditions:
Autosomal dominant intellectual disability-craniofacial anomalies-cardiac defects syndrome (ARTHS). Also called: Arboleda-Tham syndrome; Mental retardation, autosomal dominant 32; KAT6A syndrome. Identifiers: Orphanet 457193, MedGen C4225396, MONDO:0014558, OMIM 616268.

Submission:

Neuberg Centre For Genomic Medicine, NCGM
Classification: Uncertain significance for Autosomal dominant intellectual disability-craniofacial anomalies-cardiac defects syndrome. Review status: criteria provided, single submitter. Criteria: ACMG Guidelines, 2015. Collection method: clinical testing. Allele origin: germline. Inheritance: Autosomal dominant inheritance. Affected: yes.
Comment: The observed missense c.379G>C(p.Gly127Arg) variant in KAT6A gene has not been reported previously as a pathogenic variant nor a benign variant, to our knowledge. The p.Gly127Arg variant is absent in gnomAD Exomes. This variant has not been submitted to the ClinVar database. The amino acid change p.Gly127Arg in KAT6A is predicted as conserved by GERP++ and PhyloP across 100 vertebrates. The amino acid Gly at position 127 is changed to a Arg changing protein sequence and it might alter its composition and physico-chemical properties. Multiple lines of computational evidence (Polyphen - Benign, SIFT - Tolerated and MutationTaster - Polymorphism) predict no damaging effect on protein structure and function for this variant. For these reasons, this variant has been classified as a Variant of Uncertain Significance (VUS).

NM_006766.5(KAT6A):c.379G>C (p.Gly127Arg)

Gene: KAT6A (lysine acetyltransferase 6A; minus strand). Cytogenetic location: 8p11.21.
Variant type: single nucleotide variant.
Coding change: c.379G>C on transcript NM_006766.5 (MANE Select); coding-DNA position 379, G replaced by C.
Protein change: p.Gly127Arg; replaces glycine 127 with arginine.
Molecular consequence: missense variant.
Genome position (GRCh38, 1-based): chr8:42,048,599, C>G on the plus strand (G>C on the coding strand, the complement: KAT6A is on the minus strand). VCF-style: chr8-42048599-C-G. GRCh37 (hg19) VCF-style: chr8-41906117-C-G.
Other names: c.379G>C, p.Gly127Arg (NM_001305878.2); short protein forms G127R.
Identifiers: ClinVar variation 3242110 (VCV003242110.1), dbSNP rs2150932794.